The following is an entry in ClinVar:

NM_005591.4(MRE11):c.1713_1718del (p.569GR[3])

Gene: MRE11 (MRE11 homolog, double strand break repair nuclease; minus strand). Cytogenetic location: 11q21.
Variant type: Deletion.
Coding change: c.1713_1718del on transcript NM_005591.4 (MANE Select); coding-DNA positions 1713 to 1718, 6 bases deleted (CCGAGG; older notation c.1713_1718delCCGAGG).
Protein change: p.569GR[3].
Molecular consequence: inframe deletion.
Genome position (GRCh38, 1-based): chr11:94,447,284-94,447,289, CCTCGG deleted on the plus strand (CCGAGG on the coding strand, the reverse complement: MRE11 is on the minus strand); deleting any 6 consecutive bases within chr11:94,447,284-94,447,293 gives the same sequence; the c. name uses the placement nearest the transcript's 3' end. VCF-style (leftmost placement, unchanged base first): chr11-94447283-TCCTCGG-T. GRCh37 (hg19) VCF-style: chr11-94180449-TCCTCGG-T.
Other names: c.1713_1718del, p.569GR[3] (NM_001330347.2, NM_005590.4).
Identifiers: ClinVar variation 950628 (VCV000950628.8), dbSNP rs1945961690, ClinGen allele CA1139662118.
Genomic context (GRCh38, chr11:94,447,283, plus strand): 5'-TCCTCTTTGAGACCCTCCTCTCGATGCTGAATTCTGCCCTCTTCCACCTCTTCGACCTCT[TCCTCGG>T]CCTCTTCCTTTGTTGGTTGCTGCTGAGATGCTATCATCAGAGTCATTAGCCATCTGTTCT-3'

ClinVar aggregate classification (germline): Uncertain significance (1 of 4 stars; one submission).

Conditions:
Ataxia-telangiectasia-like disorder (ATLD). Identifiers: MedGen C1858391, MONDO:0011457.

Submission:

Labcorp Genetics (formerly Invitae), Labcorp
Classification: Uncertain significance for Ataxia-telangiectasia-like disorder. Last evaluated: 2019-05-29. Review status: criteria provided, single submitter. Criteria: Invitae Variant Classification Sherloc (09022015). Collection method: clinical testing. Allele origin: germline.
Comment: In summary, the available evidence is currently insufficient to determine the role of this variant in disease. Therefore, it has been classified as a Variant of Uncertain Significance. Experimental studies and prediction algorithms are not available or were not evaluated for this variant, and the functional significance of the affected amino acid(s) is currently unknown. This variant has not been reported in the literature in individuals with MRE11-related conditions. This variant is not present in population databases (ExAC no frequency). This variant, c.1713_1718del, results in the deletion of 2 amino acid(s) of the MRE11 protein (p.Gly575_Arg576del), but otherwise preserves the integrity of the reading frame.